The following is an entry in ClinVar:

NM_017617.5(NOTCH1):c.3767C>T (p.Pro1256Leu)

Gene: NOTCH1 (notch receptor 1; minus strand). Cytogenetic location: 9q34.3.
Variant type: single nucleotide variant.
Coding change: c.3767C>T on transcript NM_017617.5 (MANE Select); coding-DNA position 3767, C replaced by T.
Protein change: p.Pro1256Leu; replaces proline 1256 with leucine.
Molecular consequence: missense variant.
Genome position (GRCh38, 1-based): chr9:136,506,850, G>A on the plus strand (C>T on the coding strand, the complement: NOTCH1 is on the minus strand). VCF-style: chr9-136506850-G-A. GRCh37 (hg19) VCF-style: chr9-139401302-G-A.
Other names: p.Pro1256Leu; c.3767C>T, p.Pro1256Leu (LRG_1122t1); c.3767C>T (NM_017617.4); short protein forms P1256L.
Identifiers: ClinVar variation 134929 (VCV000134929.46), dbSNP rs80340744, ClinGen allele CA161185.

ClinVar aggregate classification (germline): Benign/Likely benign. Review status: criteria provided, multiple submitters, no conflicts (2 of 4 stars). 12 submissions from 11 submitters: Benign (7); Likely benign (4). 1 of the submissions does not count toward it. Last evaluated 2026-06-01.

Conditions:
Adams-Oliver syndrome 5 (AOS5). Identifiers: Orphanet 974, MedGen C4014970, MONDO:0014459, OMIM 616028.
Familial thoracic aortic aneurysm and aortic dissection (TAAD). Also called: Thoracic aortic aneurysms and dissections. Identifiers: Orphanet 91387, MedGen C4707243, MONDO:0019625.
Aortic valve disease 1 (AOVD1). Identifiers: MedGen C3887892, MONDO:0024523, OMIM 109730.

Allele frequency attached by ClinVar (database versions not stated): 1000 Genomes Project 30x 0.00687; TOPMed 0.00713; 1000 Genomes Project 0.00719; gnomAD 0.00606 and 0.00645; ESP Exome Variant Server 0.00636.
gnomAD v4.1: 1,830 of 1,612,068 alleles (0.11%); highest among the groups gnomAD compares: African/African-American, 2.1%; 19 homozygotes.

Submissions (12):

CeGaT Center for Human Genetics Tuebingen
Classification: Benign. Last evaluated: 2026-06-01. Review status: criteria provided, single submitter. Criteria: CeGaT Center For Human Genetics Tuebingen Variant Classification Criteria Version 2. Collection method: clinical testing. Allele origin: germline. Affected: yes. Observed: 3 variant alleles.
Comment: NOTCH1: PP2, BP4, BS1, BS2

Labcorp Genetics (formerly Invitae), Labcorp
Classification: Benign for Adams-Oliver syndrome 5. Last evaluated: 2026-01-27. Review status: criteria provided, single submitter. Criteria: Invitae Variant Classification Sherloc (09022015). Collection method: clinical testing. Allele origin: germline.

Mayo Clinic Laboratories, Mayo Clinic
Classification: Likely benign. Last evaluated: 2025-02-14. Review status: criteria provided, single submitter. Criteria: ACMG Guidelines, 2015. Collection method: clinical testing. Allele origin: germline. Observed: 6 variant alleles.
Comment: BS1, BP4

Women's Health and Genetics/Laboratory Corporation of America, LabCorp
Classification: Likely benign. Last evaluated: 2023-07-21. Review status: criteria provided, single submitter. Criteria: LabCorp Variant Classification Summary - May 2015. Collection method: clinical testing. Allele origin: germline.

Genome-Nilou Lab
Classification: Benign for Adams-Oliver syndrome 5. Last evaluated: 2022-03-15. Review status: criteria provided, single submitter. Criteria: ACMG Guidelines, 2015. Collection method: clinical testing. Allele origin: germline. Affected: no.

Genome-Nilou Lab
Classification: Benign for Aortic valve disease 1. Last evaluated: 2022-03-15. Review status: criteria provided, single submitter. Criteria: ACMG Guidelines, 2015. Collection method: clinical testing. Allele origin: germline. Affected: no.

Mendelics
Classification: Likely benign for Adams-Oliver syndrome 5. Last evaluated: 2019-05-28. Review status: criteria provided, single submitter. Criteria: Mendelics Assertion Criteria 2017. Collection method: clinical testing. Allele origin: unknown.

CHEO Genetics Diagnostic Laboratory, Children's Hospital of Eastern Ontario
Classification: Benign for Familial thoracic aortic aneurysm and aortic dissection. Last evaluated: 2017-08-11. Review status: criteria provided, single submitter. Criteria: ACMG Guidelines, 2015. Collection method: clinical testing. Allele origin: germline. Study: Canadian Open Genetics Repository.

GeneDx
Classification: Benign. Last evaluated: 2017-02-01. Review status: criteria provided, single submitter. Criteria: GeneDx Variant Classification (06012015). Collection method: clinical testing. Allele origin: germline. Affected: yes.
Comment: This variant is considered likely benign or benign based on one or more of the following criteria: it is a conservative change, it occurs at a poorly conserved position in the protein, it is predicted to be benign by multiple in silico algorithms, and/or has population frequency not consistent with disease.

Ambry Genetics
Classification: Benign for Familial thoracic aortic aneurysm and aortic dissection. Last evaluated: 2015-09-17. Review status: criteria provided, single submitter. Criteria: Ambry Variant Classification Scheme 2023. Collection method: clinical testing. Allele origin: germline.

Breakthrough Genomics
Classification: Likely benign. Review status: criteria provided, single submitter. Criteria: ACMG Guidelines, 2015. Collection method: not provided. Allele origin: germline. Inheritance: Autosomal dominant inheritance. Affected: yes.

ITMI
No classification provided. Condition: AllHighlyPenetrant. Last evaluated: 2013-09-19. Review status: no classification provided. Collection method: reference population. Allele origin: germline. Not counted in ClinVar's aggregate classification.
Comment: Please see associated publication for description of ethnicities

Literature cited by the submitters: PubMed 24943832 (cited by Women's Health and Genetics/Laboratory Corporation of America, LabCorp); PubMed 16614245 (cited by Women's Health and Genetics/Laboratory Corporation of America, LabCorp); PubMed 21670202 (cited by Women's Health and Genetics/Laboratory Corporation of America, LabCorp); PubMed 22210878 (cited by Women's Health and Genetics/Laboratory Corporation of America, LabCorp); PubMed 19635999 (cited by Women's Health and Genetics/Laboratory Corporation of America, LabCorp); PubMed 26837699 (cited by Women's Health and Genetics/Laboratory Corporation of America, LabCorp); PubMed 23086750 (cited by Women's Health and Genetics/Laboratory Corporation of America, LabCorp); PubMed 19245433 (cited by Women's Health and Genetics/Laboratory Corporation of America, LabCorp); PubMed 22077063 (cited by Women's Health and Genetics/Laboratory Corporation of America, LabCorp); PubMed 15472075 (cited by Women's Health and Genetics/Laboratory Corporation of America, LabCorp); PubMed 23734977 (cited by Women's Health and Genetics/Laboratory Corporation of America, LabCorp); PubMed 22858860 (cited by Women's Health and Genetics/Laboratory Corporation of America, LabCorp); PubMed 24728327 (cited by ITMI).